The following is an entry in ClinVar:

ClinVar aggregate classification (germline): Conflicting classifications of pathogenicity. Review status: no assertion criteria provided (0 of 4 stars). 2 submissions from 2 submitters: Uncertain significance (1); Likely benign (1). Last evaluated 2021-08-11.

Conditions:
DNMT3A-related disorder. Also called: DNMT3A-related disorders; DNMT3A-related condition.

Allele frequency attached by ClinVar (database versions not stated): gnomAD exomes 0.00009 and 0.00022; 1000 Genomes Project 30x 0.00016; 1000 Genomes Project 0.00020; ExAC 0.00024; gnomAD 0.00047 and 0.00051; TOPMed 0.00053; ESP Exome Variant Server 0.00054.
gnomAD v4.1: 204 of 1,614,216 alleles (0.013%); highest among the groups gnomAD compares: African/African-American, 0.16%; 2 homozygotes.

Submissions (2):

PreventionGenetics, part of Exact Sciences
Classification: Likely benign for DNMT3A-related condition. Last evaluated: 2021-08-11. Review status: no assertion criteria provided. Collection method: clinical testing. Allele origin: germline.
Comment: This variant is classified as likely benign based on ACMG/AMP sequence variant interpretation guidelines (Richards et al. 2015 PMID: 25741868, with internal and published modifications).

New York Genome Center
Classification: Uncertain significance. Last evaluated: 2019-11-12. Review status: no assertion criteria provided. Collection method: clinical testing. Allele origin: germline. Affected: yes. Observed: 1 heterozygote.

NM_022552.5(DNMT3A):c.640-1439G>A

Gene: DNMT3A (DNA methyltransferase 3 alpha; minus strand). Cytogenetic location: 2p23.3.
Variant type: single nucleotide variant.
Coding change: c.640-1439G>A on transcript NM_022552.5 (MANE Select); 1439 bases into the intron before coding-DNA position 640, G replaced by A.
Molecular consequence: intron variant. On other transcripts: missense variant (1).
Genome position (GRCh38, 1-based): chr2:25,249,691, C>T on the plus strand (G>A on the coding strand, the complement: DNMT3A is on the minus strand). VCF-style: chr2-25249691-C-T. GRCh37 (hg19) VCF-style: chr2-25472560-C-T.
Other names: c.38G>A, p.Arg13His (NM_153759.3); c.640-1439G>A (NM_175629.2); c.184-1439G>A (NM_001320893.1); c.-30-1439G>A (NM_001375819.1); short protein forms R13H.
Identifiers: ClinVar variation 977365 (VCV000977365.4), dbSNP rs150451861, ClinGen allele CA1556367.